The following is an entry in ClinVar:

ClinVar aggregate classification (germline): Uncertain significance. Review status: criteria provided, multiple submitters, no conflicts (2 of 4 stars). 3 submissions from 3 submitters: Uncertain significance (3). Last evaluated 2025-01-24.

Conditions:
Inborn genetic diseases. Identifiers: MedGen C0950123, MeSH D030342.
Congenital myasthenic syndrome 8. Also called: MYASTHENIC SYNDROME, CONGENITAL, DUE TO AGRIN DEFICIENCY; Myasthenic syndrome, congenital, 8, with pre- and postsynaptic defects. Identifiers: Orphanet 590, MedGen C3808739, MONDO:0014052, OMIM 615120.

Allele frequency attached by ClinVar (database versions not stated): gnomAD exomes 0.00003 and 0.00013; ExAC 0.00015; gnomAD 0.00034 and 0.00038; ESP Exome Variant Server 0.00077.
gnomAD v4.1: 111 of 1,612,486 alleles (0.0069%); highest among the groups gnomAD compares: African/African-American, 0.12%; 1 homozygote.

Submissions (3):

Labcorp Genetics (formerly Invitae), Labcorp
Classification: Uncertain significance for Congenital myasthenic syndrome 8. Last evaluated: 2025-01-24. Review status: criteria provided, single submitter. Criteria: Invitae Variant Classification Sherloc (09022015). Collection method: clinical testing. Allele origin: germline.
Comment: This sequence change replaces proline, which is neutral and non-polar, with leucine, which is neutral and non-polar, at codon 770 of the AGRN protein (p.Pro770Leu). This variant is present in population databases (rs113017128, gnomAD 0.2%). This variant has not been reported in the literature in individuals affected with AGRN-related conditions. ClinVar contains an entry for this variant (Variation ID: 1051416). An algorithm developed to predict the effect of missense changes on protein structure and function (PolyPhen-2) suggests that this variant is likely to be disruptive. In summary, the available evidence is currently insufficient to determine the role of this variant in disease. Therefore, it has been classified as a Variant of Uncertain Significance.

Ambry Genetics
Classification: Uncertain significance for Inborn genetic diseases. Last evaluated: 2023-10-25. Review status: criteria provided, single submitter. Criteria: Ambry Variant Classification Scheme 2023. Collection method: clinical testing. Allele origin: germline.

GeneDx
Classification: Uncertain significance. Last evaluated: 2019-07-26. Review status: criteria provided, single submitter. Criteria: GeneDx Variant Classification Process June 2021. Collection method: clinical testing. Allele origin: germline. Affected: yes.
Comment: In silico analysis, which includes protein predictors and evolutionary conservation, supports that this variant does not alter protein structure/function; Has not been previously published as pathogenic or benign to our knowledge

NM_198576.4(AGRN):c.2309C>T (p.Pro770Leu)

Gene: AGRN (agrin; plus strand). Cytogenetic location: 1p36.33.
Variant type: single nucleotide variant.
Coding change: c.2309C>T on transcript NM_198576.4 (MANE Select); coding-DNA position 2309, C replaced by T.
Protein change: p.Pro770Leu; replaces proline 770 with leucine.
Molecular consequence: missense variant.
Genome position (GRCh38, 1-based): chr1:1,045,215, C>T. VCF-style: chr1-1045215-C-T. GRCh37 (hg19) VCF-style: chr1-980595-C-T.
Other names: c.2309C>T, p.Pro770Leu (NM_001305275.2); c.1994C>T, p.Pro665Leu (NM_001364727.2); short protein forms P665L, P770L.
Identifiers: ClinVar variation 1051416 (VCV001051416.9), dbSNP rs113017128, ClinGen allele CA508576.